The following is an entry in ClinVar:

ClinVar aggregate classification (germline): Uncertain significance (1 of 4 stars; one submission).

Allele frequency attached by ClinVar (database versions not stated): gnomAD exomes 0.00001; TOPMed 0.00001; ExAC 0.00002.
gnomAD v4.1: 7 of 1,613,334 alleles (0.00043%); highest among the groups gnomAD compares: Admixed American, 0.0033%; no homozygotes.

Submission:

Labcorp Genetics (formerly Invitae), Labcorp
Classification: Uncertain significance. Last evaluated: 2022-11-15. Review status: criteria provided, single submitter. Criteria: Invitae Variant Classification Sherloc (09022015). Collection method: clinical testing. Allele origin: germline.
Comment: In summary, the available evidence is currently insufficient to determine the role of this variant in disease. Therefore, it has been classified as a Variant of Uncertain Significance. Algorithms developed to predict the effect of missense changes on protein structure and function (SIFT, PolyPhen-2, Align-GVGD) all suggest that this variant is likely to be disruptive. ClinVar contains an entry for this variant (Variation ID: 1470809). This variant has not been reported in the literature in individuals affected with CACNA2D4-related conditions. This variant is present in population databases (rs773556893, gnomAD 0.006%). This sequence change replaces leucine, which is neutral and non-polar, with tryptophan, which is neutral and slightly polar, at codon 230 of the CACNA2D4 protein (p.Leu230Trp).

NM_172364.5(CACNA2D4):c.689T>G (p.Leu230Trp)

Gene: CACNA2D4 (calcium voltage-gated channel auxiliary subunit alpha2delta 4; minus strand). Cytogenetic location: 12p13.33.
Variant type: single nucleotide variant.
Coding change: c.689T>G on transcript NM_172364.5 (MANE Select); coding-DNA position 689, T replaced by G.
Protein change: p.Leu230Trp; replaces leucine 230 with tryptophan.
Molecular consequence: missense variant.
Genome position (GRCh38, 1-based): chr12:1,907,532, A>C on the plus strand (T>G on the coding strand, the complement: CACNA2D4 is on the minus strand). VCF-style: chr12-1907532-A-C. GRCh37 (hg19) VCF-style: chr12-2016698-A-C.
Other names: short protein forms L230W.
Identifiers: ClinVar variation 1470809 (VCV001470809.6), dbSNP rs773556893, ClinGen allele CA6387439.